The following is an entry in ClinVar:

ClinVar aggregate classification (germline): Uncertain significance (1 of 4 stars; one submission).

Conditions:
PKD1-related disorder. Also called: PKD1-related condition.

gnomAD v4.1: 40 of 1,563,642 alleles (0.0026%); highest among the groups gnomAD compares: East Asian, 0.017%; no homozygotes.

Submission:

PreventionGenetics, part of Exact Sciences
Classification: Uncertain significance for PKD1-related condition. Last evaluated: 2026-09-21. Review status: criteria provided, single submitter. Criteria: ACMG Guidelines, 2015. Collection method: clinical testing. Allele origin: germline.
Comment: The PKD1 c.9821G>A variant is predicted to result in the amino acid substitution p.Arg3274His. To our knowledge, this variant has not been reported in the literature. This variant is reported in 0.021% of alleles in individuals of East Asian descent in gnomAD. At this time, the clinical significance of this variant is uncertain due to the absence of conclusive functional and genetic evidence.

NM_001009944.3(PKD1):c.9821G>A (p.Arg3274His)

Gene: PKD1 (polycystin 1, transient receptor potential channel interacting; minus strand). Cytogenetic location: 16p13.3.
Variant type: single nucleotide variant.
Coding change: c.9821G>A on transcript NM_001009944.3 (MANE Select); coding-DNA position 9821, G replaced by A.
Protein change: p.Arg3274His; replaces arginine 3274 with histidine.
Molecular consequence: missense variant.
Genome position (GRCh38, 1-based): chr16:2,099,963, C>T on the plus strand (G>A on the coding strand, the complement: PKD1 is on the minus strand). VCF-style: chr16-2099963-C-T. GRCh37 (hg19) VCF-style: chr16-2149964-C-T.
Other names: c.9821G>A, p.Arg3274His (NM_000296.4); short protein forms R3274H.
Identifiers: ClinVar variation 4980305 (VCV004980305.1).